The following is an entry in ClinVar:

ClinVar aggregate classification (germline): Uncertain significance (1 of 4 stars; one submission).

Allele frequency attached by ClinVar (database versions not stated): gnomAD 0.00002; gnomAD exomes 0.00002; TOPMed 0.00002; ExAC 0.00005; 1000 Genomes Project 30x 0.00016; 1000 Genomes Project 0.00020.
gnomAD v4.1: 35 of 1,550,576 alleles (0.0023%); highest among the groups gnomAD compares: Admixed American, 0.02%; no homozygotes.

Submission:

Labcorp Genetics (formerly Invitae), Labcorp
Classification: Uncertain significance. Last evaluated: 2022-10-17. Review status: criteria provided, single submitter. Criteria: Invitae Variant Classification Sherloc (09022015). Collection method: clinical testing. Allele origin: germline.
Comment: This sequence change replaces arginine, which is basic and polar, with glutamine, which is neutral and polar, at codon 4 of the GHRHR protein (p.Arg4Gln). This variant is present in population databases (rs573168850, gnomAD 0.03%). This missense change has been observed in individual(s) with isolated growth hormone deficiency (PMID: 27501283). Algorithms developed to predict the effect of missense changes on protein structure and function (SIFT, PolyPhen-2, Align-GVGD) all suggest that this variant is likely to be tolerated. Experimental studies have shown that this missense change does not substantially affect GHRHR function (PMID: 27501283). In summary, the available evidence is currently insufficient to determine the role of this variant in disease. Therefore, it has been classified as a Variant of Uncertain Significance.

Literature cited by the submitters: PubMed 27501283.

NM_000823.4(GHRHR):c.11G>A (p.Arg4Gln)

Gene: GHRHR (growth hormone releasing hormone receptor; plus strand). Cytogenetic location: 7p14.3.
Variant type: single nucleotide variant.
Coding change: c.11G>A on transcript NM_000823.4 (MANE Select); coding-DNA position 11, G replaced by A.
Protein change: p.Arg4Gln; replaces arginine 4 with glutamine.
Molecular consequence: missense variant.
Genome position (GRCh38, 1-based): chr7:30,964,079, G>A. VCF-style: chr7-30964079-G-A. GRCh37 (hg19) VCF-style: chr7-31003694-G-A.
Other names: short protein forms R4Q.
Identifiers: ClinVar variation 1985693 (VCV001985693.1), dbSNP rs573168850, ClinGen allele CA4208370.